The following is an entry in ClinVar:

ClinVar aggregate classification (germline): Uncertain significance. Review status: criteria provided, single submitter (1 of 4 stars). 2 submissions from 2 submitters: Uncertain significance (1). 1 of the submissions does not count toward it. Last evaluated 2024-05-12.

Conditions:
GNAS-related disorder. Identifiers: MedGen CN380105.
Pseudohypoparathyroidism type 1C (PHP1C). Also called: PSEUDOHYPOPARATHYROIDISM, TYPE IC; PHP IC; Pseudohypoparathyroidism Ic (PHP-Ic). Identifiers: Orphanet 79444, MedGen C2932716, MONDO:0012911, OMIM 612462.
Pseudohypoparathyroidism type 1B (PHP1B). Also called: PHP IB; Pseudohypoparathyroidism Type IB; Pseudohypoparathyroidism Ib (PHP-Ib). Identifiers: Orphanet 94089, MedGen C1864100, MONDO:0011301, OMIM 603233.
Pseudopseudohypoparathyroidism (PPHP). Also called: ALBRIGHT HEREDITARY OSTEODYSTROPHY WITHOUT MULTIPLE HORMONE RESISTANCE; Pseudopseudohypoparathyroidism (PPHP). Identifiers: Orphanet 79445, MedGen C0033835, MONDO:0012912, OMIM 612463.
ACTH-independent macronodular adrenal hyperplasia 1 (AIMAH1). Also called: ACTH-INDEPENDENT MACRONODULAR ADRENOCORTICAL HYPERPLASIA; CUSHING SYNDROME, ADRENAL, DUE TO AIMAH; ADRENOCORTICOTROPIC HORMONE-INDEPENDENT MACRONODULAR ADRENAL HYPERPLASIA; ACTH-independent macronodular adrenal hyperplasia, somatic; CORTICOTROPIN-INDEPENDENT MACRONODULAR ADRENAL HYPERPLASIA. Identifiers: MedGen C1857451, MONDO:0020735, OMIM 219080.
Pseudohypoparathyroidism type I A (PHP1A). Also called: Pseudohypoparathyroidism Type IA; ALBRIGHT HEREDITARY OSTEODYSTROPHY WITH MULTIPLE HORMONE RESISTANCE; PHP IA; Pseudohypoparathyroidism type 1A; Pseudohypoparathyroidism Ia (PHP-Ia). Identifiers: Orphanet 79443, MedGen C3494506, MONDO:0007078, OMIM 103580.
Progressive osseous heteroplasia (POH). Also called: Osseus Heteroplasia, Progressive; ECTOPIC OSSIFICATION, FAMILIAL; Osteoma cutis; Progressive Osseus Heteroplasia (POH). Identifiers: Orphanet 2762, MedGen C0334041, MONDO:0008153, OMIM 166350, HP:0025027.
McCune-Albright syndrome (MAS). Also called: ALBRIGHT SYNDROME; Albright's Syndrome; Albright's disease; Fibrous Dysplasia / McCune-Albright Syndrome; McCune-Albright syndrome, somatic, mosaic. Identifiers: Orphanet 562, MedGen C0242292, MONDO:0018919, OMIM 174800.
Pituitary adenoma 3, multiple types. Also called: PITUITARY ADENOMA 3, ACTH-SECRETING, SOMATIC; PITUITARY ADENOMA 3, GROWTH HORMONE-SECRETING, SOMATIC. Identifiers: MedGen C4540135, MONDO:0054665, OMIM 617686.

Allele frequency attached by ClinVar (database versions not stated): gnomAD exomes below 0.00001; gnomAD 0.00001; TOPMed 0.00001; ExAC 0.00003.
gnomAD v4.1: 8 of 1,270,710 alleles (0.00063%); highest among the groups gnomAD compares: East Asian, 0.0065%; no homozygotes.

Submissions (2):

Fulgent Genetics
Classification: Uncertain significance for Pseudohypoparathyroidism type I A; Progressive osseous heteroplasia; McCune-Albright syndrome; ACTH-independent macronodular adrenal hyperplasia 1; Pseudohypoparathyroidism type 1B; Pseudohypoparathyroidism type 1C; Pseudopseudohypoparathyroidism; Pituitary adenoma 3, multiple types. Last evaluated: 2024-05-12. Review status: criteria provided, single submitter. Criteria: ACMG Guidelines, 2015. Collection method: clinical testing. Allele origin: germline.

PreventionGenetics, part of Exact Sciences
Classification: Uncertain significance for GNAS-related condition. Last evaluated: 2024-02-01. Review status: no assertion criteria provided. Collection method: clinical testing. Allele origin: germline. Not counted in ClinVar's aggregate classification.
Comment: The GNAS c.41A>G variant is predicted to result in the amino acid substitution p.Asn14Ser. To our knowledge, this variant has not been reported in the literature. This variant is reported in 0.0092% of alleles in individuals of African descent in gnomAD. At this time, the clinical significance of this variant is uncertain due to the absence of conclusive functional and genetic evidence.

NM_000516.7(GNAS):c.41A>G (p.Asn14Ser)

Gene: GNAS (GNAS complex locus; plus strand). Cytogenetic location: 20q13.32.
Variant type: single nucleotide variant.
Coding change: c.41A>G on transcript NM_000516.7 (MANE Select); coding-DNA position 41, A replaced by G.
Protein change: p.Asn14Ser; replaces asparagine 14 with serine.
Molecular consequence: missense variant. On other transcripts: intron variant (8).
Genome position (GRCh38, 1-based): chr20:58,891,767, A>G. VCF-style: chr20-58891767-A-G. GRCh37 (hg19) VCF-style: chr20-57466822-A-G.
Other names: c.41A>G, p.Asn14Ser (NM_001077488.5, NM_001077489.4, NM_001309842.2 and 1 more transcripts); c.*43-3845A>G (NM_016592.5); c.44-3845A>G (NM_001410912.1); c.-38-3845A>G (NM_001309861.2); c.*1-3845A>G (NM_001077490.3); c.2069-3845A>G (NM_080425.4, NM_001410913.1); c.*159-3845A>G (NM_001309883.1); c.-39+2414A>G (NM_001309840.2); short protein forms N14S.
Identifiers: ClinVar variation 3029771 (VCV003029771.3), dbSNP rs752140999, ClinGen allele CA9926874.
Genomic context (GRCh38, chr20:58,891,767, plus strand): 5'-CCGCCGCCGCCGCCGCCGCCATGGGCTGCCTCGGGAACAGTAAGACCGAGGACCAGCGCA[A>G]CGAGGAGAAGGCGCAGCGTGAGGCCAACAAAAAGATCGAGAAGCAGCTGCAGAAGGACAA-3'
Protein context (NP_000507.1, residues 4-24): LGNSKTEDQR[Asn14Ser]EEKAQREANK